The following is an entry in ClinVar:

ClinVar aggregate classification (germline): Uncertain significance (1 of 4 stars; one submission).

Conditions:
Catecholaminergic polymorphic ventricular tachycardia 1. Also called: VENTRICULAR TACHYCARDIA, STRESS-INDUCED POLYMORPHIC 1; VENTRICULAR TACHYCARDIA, CATECHOLAMINERGIC POLYMORPHIC, 1, WITH OR WITHOUT ATRIAL DYSFUNCTION AND/OR DILATED CARDIOMYOPATHY; RYR2-Related Catecholaminergic Polymorphic Ventricular Tachycardia. Identifiers: Orphanet 3286, MedGen C1631597, MONDO:0011484, OMIM 604772.

Submission:

Labcorp Genetics (formerly Invitae), Labcorp
Classification: Uncertain significance for Catecholaminergic polymorphic ventricular tachycardia 1. Last evaluated: 2025-01-29. Review status: criteria provided, single submitter. Criteria: Invitae Variant Classification Sherloc (09022015). Collection method: clinical testing. Allele origin: germline.
Comment: This sequence change replaces valine, which is neutral and non-polar, with isoleucine, which is neutral and non-polar, at codon 4280 of the RYR2 protein (p.Val4280Ile). This variant is not present in population databases (gnomAD no frequency). This variant has not been reported in the literature in individuals affected with RYR2-related conditions. Invitae Evidence Modeling of protein sequence and biophysical properties (such as structural, functional, and spatial information, amino acid conservation, physicochemical variation, residue mobility, and thermodynamic stability) indicates that this missense variant is not expected to disrupt RYR2 protein function with a negative predictive value of 95%. In summary, the available evidence is currently insufficient to determine the role of this variant in disease. Therefore, it has been classified as a Variant of Uncertain Significance.

NM_001035.3(RYR2):c.12838G>A (p.Val4280Ile)

Genes: RYR2 (ryanodine receptor 2; plus strand), LOC126806068 (BRD4-independent group 4 enhancer GRCh37_chr1:237947411-237948610; plus strand). Cytogenetic location: 1q43.
Variant type: single nucleotide variant.
Coding change: c.12838G>A on transcript NM_001035.3 (MANE Select); coding-DNA position 12838, G replaced by A.
Protein change: p.Val4280Ile; replaces valine 4280 with isoleucine.
Molecular consequence: missense variant.
Genome position (GRCh38, 1-based): chr1:237,784,550, G>A. VCF-style: chr1-237784550-G-A. GRCh37 (hg19) VCF-style: chr1-237947850-G-A.
Other names: short protein forms V4280I.
Identifiers: ClinVar variation 3698901 (VCV003698901.2).
Genomic context (GRCh38, chr1:237,784,550, plus strand): 5'-AGTCTGAAGAGCCTGAAGAAGCAGATGAAAAAAGTAAAAAAGATGACCGTGAAGGACATG[G>A]TCACGGCCTTCTTTTCATCCTACTGGAGTATTTTCATGACCCTCTTGCACTTCGTGGCCA-3'
Protein context (NP_001026.2, residues 4270-4290): KVKKMTVKDM[Val4280Ile]TAFFSSYWSI